The following is an entry in ClinVar:

ClinVar aggregate classification (germline): Uncertain significance (1 of 4 stars; one submission).

Conditions:
CHMP2B-related disorder. Also called: CHMP2B-related condition.

Submission:

PreventionGenetics, part of Exact Sciences
Classification: Uncertain significance for CHMP2B-related condition. Last evaluated: 2026-03-20. Review status: criteria provided, single submitter. Criteria: ACMG Guidelines, 2015. Collection method: clinical testing. Allele origin: germline.
Comment: The CHMP2B c.444_445delCA variant is predicted to result in a frameshift and premature protein termination (p.Ile149Leufs*2). To our knowledge, this variant has not been reported in the literature or in a large population database (gnomAD), indicating this variant is rare. Although we suspect that this variant may be pathogenic, at this time, the clinical significance of this variant is uncertain due to the absence of conclusive functional and genetic evidence.

NM_014043.4(CHMP2B):c.444_445del (p.Ile149fs)

Gene: CHMP2B (charged multivesicular body protein 2B; plus strand). Cytogenetic location: 3p11.2.
Variant type: Deletion.
Coding change: c.444_445del on transcript NM_014043.4 (MANE Select); coding-DNA positions 444 to 445, 2 bases deleted (CA; older notation c.444_445delCA).
Protein change: p.Ile149fs; shifts the reading frame from isoleucine 149.
Molecular consequence: frameshift variant.
Genome position (GRCh38, 1-based): chr3:87,253,423-87,253,424, CA deleted; deleting any 2 consecutive bases within chr3:87,253,422-87,253,424 gives the same sequence; the c. name uses the placement nearest the transcript's 3' end. VCF-style (leftmost placement, unchanged base first): chr3-87253421-GAC-G. GRCh37 (hg19) VCF-style: chr3-87302571-GAC-G.
Other names: c.321_322del, p.Ile108fs (NM_001244644.2); c.540_541del, p.Ile181fs (NM_001410777.1); short protein forms I149fs, I108fs, I181fs.
Identifiers: ClinVar variation 4993232 (VCV004993232.1).